The following is an entry in ClinVar:

ClinVar aggregate classification (germline): Uncertain significance (1 of 4 stars; one submission).

Conditions:
ADCY10-related disorder. Also called: ADCY10-related condition.

Allele frequency attached by ClinVar (database versions not stated): gnomAD exomes below 0.00001.
gnomAD v4.1: 6 of 1,614,160 alleles (0.00037%); highest among the groups gnomAD compares: Non-Finnish European, 0.00051%; no homozygotes.

Submission:

PreventionGenetics, part of Exact Sciences
Classification: Uncertain significance for ADCY10-related condition. Last evaluated: 2022-09-28. Review status: criteria provided, single submitter. Criteria: ACMG Guidelines, 2015. Collection method: clinical testing. Allele origin: germline.
Comment: The ADCY10 c.1933G>A variant is predicted to result in the amino acid substitution p.Glu645Lys. To our knowledge, this variant has not been reported in the literature or in a large population database, indicating this variant is rare. At this time, the clinical significance of this variant is uncertain due to the absence of conclusive functional and genetic evidence.

NM_018417.6(ADCY10):c.1933G>A (p.Glu645Lys)

Gene: ADCY10 (adenylate cyclase 10; minus strand). Cytogenetic location: 1q24.2.
Variant type: single nucleotide variant.
Coding change: c.1933G>A on transcript NM_018417.6 (MANE Select); coding-DNA position 1933, G replaced by A.
Protein change: p.Glu645Lys; replaces glutamic acid 645 with lysine.
Molecular consequence: missense variant.
Genome position (GRCh38, 1-based): chr1:167,856,403, C>T on the plus strand (G>A on the coding strand, the complement: ADCY10 is on the minus strand). VCF-style: chr1-167856403-C-T. GRCh37 (hg19) VCF-style: chr1-167825641-C-T.
Other names: c.1474G>A, p.Glu492Lys (NM_001167749.3); c.1657G>A, p.Glu553Lys (NM_001297772.2); short protein forms E492K, E553K, E645K.
Identifiers: ClinVar variation 2637351 (VCV002637351.1), dbSNP rs2525335470, ClinGen allele CA343089105.